The following is an entry in ClinVar:

ClinVar aggregate classification (germline): Benign (1 of 4 stars; one submission).

Conditions:
Cystic fibrosis (CF). Also called: MUCOVISCIDOSIS. Identifiers: Orphanet 586, MedGen C0010674, MONDO:0009061, OMIM 219700. Disease mechanism: loss of function.

Submission:

CFTR-France
Classification: Benign for cystic fibrosis. Last evaluated: 2018-01-29. Review status: criteria provided, single submitter. Criteria: Claustres M et al. (Hum Mutat 2017). Collection method: curation. Allele origin: germline. Affected: no.
Comment: the variant does not result in CFTR-RD neither

NM_000492.4(CFTR):c.2989-81del

Genes: CFTR (CF transmembrane conductance regulator; plus strand), CFTR-AS2 (CFTR antisense RNA 2; minus strand), LOC111674472 (DNase I hypersensitive sites in introns 16 and 17a of CFTR; plus strand). Cytogenetic location: 7q31.2.
Variant type: Deletion.
Coding change: c.2989-81del on transcript NM_000492.4 (MANE Select); 81 bases into the intron before coding-DNA position 2989, one base deleted (A; older notation c.2989-81delA).
Molecular consequence: intron variant.
Genome position (GRCh38, 1-based): chr7:117,610,438, A deleted; the last of 13 consecutive A bases (chr7:117,610,426-117,610,438); deleting any one gives the same sequence. VCF-style (leftmost placement, unchanged base first): chr7-117610425-CA-C. GRCh37 (hg19) VCF-style: chr7-117250479-CA-C.
Identifiers: ClinVar variation 818104 (VCV000818104.1), dbSNP rs4148715, ClinGen allele CA164964922.
Genomic context (GRCh38, chr7:117,610,425, plus strand): 5'-ACCCTAAAACTTAAAGTATAATAAAAAAAATAAAAAAAAGTTTGAGGTGTTTAAAGTATG[CA>C]AAAAAAAAAAAAGAAATAAATCACTGACACACTTTGTCCACTTTGCAATGTGAAAATGTT-3'